The following is an entry in ClinVar:

NM_005219.5(DIAPH1):c.2075C>G (p.Pro692Arg)

Gene: DIAPH1 (diaphanous related formin 1; minus strand). Cytogenetic location: 5q31.3.
Variant type: single nucleotide variant.
Coding change: c.2075C>G on transcript NM_005219.5 (MANE Select); coding-DNA position 2075, C replaced by G.
Protein change: p.Pro692Arg; replaces proline 692 with arginine.
Molecular consequence: missense variant.
Genome position (GRCh38, 1-based): chr5:141,573,775, G>C on the plus strand (C>G on the coding strand, the complement: DIAPH1 is on the minus strand). VCF-style: chr5-141573775-G-C. GRCh37 (hg19) VCF-style: chr5-140953342-G-C.
Other names: c.2048C>G, p.Pro683Arg (NM_001079812.3); c.2075C>G, p.Pro692Arg (NM_001314007.2); short protein forms P683R, P692R.
Identifiers: ClinVar variation 2098991 (VCV002098991.4), dbSNP rs2099895545, ClinGen allele CA361518463.

ClinVar aggregate classification (germline): Uncertain significance (1 of 4 stars; one submission).

Conditions:
Progressive microcephaly-seizures-cortical blindness-developmental delay syndrome. Also called: Seizures, cortical blindness, and microcephaly syndrome. Identifiers: Orphanet 477814, MedGen C5567650, MONDO:0014714, OMIM 616632.
Autosomal dominant nonsyndromic hearing loss 1. Also called: DEAFNESS, AUTOSOMAL DOMINANT 1, WITH OR WITHOUT THROMBOCYTOPENIA; KONIGSMARK SYNDROME. Identifiers: Orphanet 90635, MedGen C1852282, MONDO:0007424, OMIM 124900.

Submission:

Labcorp Genetics (formerly Invitae), Labcorp
Classification: Uncertain significance for Progressive microcephaly-seizures-cortical blindness-developmental delay syndrome; Autosomal dominant nonsyndromic hearing loss 1. Last evaluated: 2022-02-18. Review status: criteria provided, single submitter. Criteria: Invitae Variant Classification Sherloc (09022015). Collection method: clinical testing. Allele origin: germline.
Comment: This sequence change replaces proline, which is neutral and non-polar, with arginine, which is basic and polar, at codon 692 of the DIAPH1 protein (p.Pro692Arg). This variant is not present in population databases (gnomAD no frequency). This variant has not been reported in the literature in individuals affected with DIAPH1-related conditions. Algorithms developed to predict the effect of missense changes on protein structure and function are either unavailable or do not agree on the potential impact of this missense change (SIFT: "Deleterious"; PolyPhen-2: "Not Available"; Align-GVGD: "Class C0"). In summary, the available evidence is currently insufficient to determine the role of this variant in disease. Therefore, it has been classified as a Variant of Uncertain Significance.